The following is an entry in ClinVar:

NM_005591.4(MRE11):c.1018-1G>A

Gene: MRE11 (MRE11 double strand break repair nuclease; minus strand). Cytogenetic location: 11q21.
Variant type: single nucleotide variant.
Coding change: c.1018-1G>A on transcript NM_005591.4 (MANE Select); the canonical splice acceptor site of the intron before coding-DNA position 1018, G replaced by A.
Molecular consequence: splice acceptor variant.
Genome position (GRCh38, 1-based): chr11:94,467,894, C>T on the plus strand (G>A on the coding strand, the complement: MRE11 is on the minus strand). VCF-style: chr11-94467894-C-T. GRCh37 (hg19) VCF-style: chr11-94201060-C-T.
Other names: c.1018-1G>A (NM_001330347.2, NM_005590.4).
Identifiers: ClinVar variation 483630 (VCV000483630.5), dbSNP rs1555012083, ClinGen allele CA382373949.
Genomic context (GRCh38, chr11:94,467,894, plus strand): 5'-CTCTGGCTGGTGAGAATTACCCAGACGTTCCCGTTCAGCATTTTCAAGCATTTCTTCAAT[C>T]TCAAAATTTTTAAAAAGATTAAAAAACAACGTAGTAAACTGAGTTTAACTTGGCTGAATA-3'

ClinVar aggregate classification (germline): Likely pathogenic (1 of 4 stars; one submission).

Conditions:
Hereditary cancer-predisposing syndrome. Also called: Neoplastic Syndromes, Hereditary; Tumor predisposition; Hereditary Cancer Syndrome; Hereditary neoplastic syndrome. Identifiers: Orphanet 140162, MedGen C0027672, MeSH D009386, MONDO:0015356.

Allele frequency attached by ClinVar (database versions not stated): gnomAD exomes below 0.00001.
gnomAD v4.1: 1 of 1,613,072 alleles (0.000062%); highest among the groups gnomAD compares: South Asian, 0.0011%; no homozygotes.

Submission:

Ambry Genetics
Classification: Likely pathogenic for Hereditary cancer-predisposing syndrome. Last evaluated: 2016-10-31. Review status: criteria provided, single submitter. Criteria: Ambry Variant Classification Scheme 2023. Collection method: clinical testing. Allele origin: germline.
Comment: The c.1018-1G>A intronic variant results from a G to A substitution one nucleotide upstream from coding exon 9 of the MRE11A gene. This variant was not reported in population based cohorts in the following databases: Database of Single Nucleotide Polymorphisms (dbSNP), NHLBI Exome Sequencing Project (ESP), and 1000 Genomes Project. In the ESP, this variant was not observed in 6499 samples (12998 alleles) with coverage at this position. To date, this alteration has been detected with an allele frequency of approximately 0.001% (greater than 175000 alleles tested) in our clinical cohort. This nucleotide position is highly conserved in available vertebrate species. Neither the BDGP nor ESEfinder splice site prediction tools were able to produce a reliable prediction for this native splice acceptor site. Alterations that disrupt the canonical splice site are expected to cause aberrant splicing, resulting in an abnormal protein or a transcript that is subject to nonsense-mediated mRNA decay. As such, this alteration is classified as likely pathogenic.